The following is an entry in ClinVar:

ClinVar aggregate classification (germline): Uncertain significance. Review status: criteria provided, multiple submitters, no conflicts (2 of 4 stars). 2 submissions from 2 submitters: Uncertain significance (2). Last evaluated 2021-12-30.

Conditions:
Hereditary cancer-predisposing syndrome. Also called: Tumor predisposition; Neoplastic Syndromes, Hereditary; Hereditary neoplastic syndrome; Hereditary Cancer Syndrome. Identifiers: Orphanet 140162, MedGen C0027672, MeSH D009386, MONDO:0015356.

Submissions (2):

Ambry Genetics
Classification: Uncertain significance for Hereditary cancer-predisposing syndrome. Last evaluated: 2021-12-30. Review status: criteria provided, single submitter. Criteria: Ambry Variant Classification Scheme 2023. Collection method: clinical testing. Allele origin: germline.
Comment: The p.M299T variant (also known as c.896T>C), located in coding exon 9 of the POLE gene, results from a T to C substitution at nucleotide position 896. The methionine at codon 299 is replaced by threonine, an amino acid with similar properties. This amino acid position is conserved. In addition, this alteration is predicted to be deleterious by in silico analysis. Since supporting evidence is limited at this time, the clinical significance of this alteration remains unclear.

Labcorp Genetics (formerly Invitae), Labcorp
Classification: Uncertain significance. Last evaluated: 2020-05-10. Review status: criteria provided, single submitter. Criteria: Invitae Variant Classification Sherloc (09022015). Collection method: clinical testing. Allele origin: germline.
Comment: In summary, the available evidence is currently insufficient to determine the role of this variant in disease. Therefore, it has been classified as a Variant of Uncertain Significance. Algorithms developed to predict the effect of missense changes on protein structure and function (SIFT, PolyPhen-2, Align-GVGD) all suggest that this variant is likely to be disruptive, but these predictions have not been confirmed by published functional studies and their clinical significance is uncertain. This variant has not been reported in the literature in individuals with POLE-related conditions. This variant is not present in population databases (ExAC no frequency). This sequence change replaces methionine with threonine at codon 299 of the POLE protein (p.Met299Thr). The methionine residue is highly conserved and there is a moderate physicochemical difference between methionine and threonine.

NM_006231.4(POLE):c.896T>C (p.Met299Thr)

Gene: POLE (DNA polymerase epsilon, catalytic subunit; minus strand). Cytogenetic location: 12q24.33.
Variant type: single nucleotide variant.
Coding change: c.896T>C on transcript NM_006231.4 (MANE Select); coding-DNA position 896, T replaced by C.
Protein change: p.Met299Thr; replaces methionine 299 with threonine.
Molecular consequence: missense variant.
Genome position (GRCh38, 1-based): chr12:132,676,559, A>G on the plus strand (T>C on the coding strand, the complement: POLE is on the minus strand). VCF-style: chr12-132676559-A-G. GRCh37 (hg19) VCF-style: chr12-133253145-A-G.
Other names: short protein forms M299T.
Identifiers: ClinVar variation 1019285 (VCV001019285.11), dbSNP rs1300891010, ClinGen allele CA387364181.